The following is an entry in ClinVar:

NM_000081.4(LYST):c.3370A>G (p.Met1124Val)

Gene: LYST (lysosomal trafficking regulator; minus strand). Cytogenetic location: 1q42.3.
Variant type: single nucleotide variant.
Coding change: c.3370A>G on transcript NM_000081.4 (MANE Select); coding-DNA position 3370, A replaced by G.
Protein change: p.Met1124Val; replaces methionine 1124 with valine.
Molecular consequence: missense variant.
Genome position (GRCh38, 1-based): chr1:235,805,766, T>C on the plus strand (A>G on the coding strand, the complement: LYST is on the minus strand). VCF-style: chr1-235805766-T-C. GRCh37 (hg19) VCF-style: chr1-235969066-T-C.
Other names: c.3370A>G, p.Met1124Val (NM_001301365.1); short protein forms M1124V.
Identifiers: ClinVar variation 575587 (VCV000575587.8), dbSNP rs2527069608, ClinGen allele CA344951037.

ClinVar aggregate classification (germline): Uncertain significance (1 of 4 stars; one submission).

Conditions:
Chédiak-Higashi syndrome (CHS). Also called: Chediak-Higashi Syndrome. Identifiers: Orphanet 167, MedGen C0007965, MONDO:0008963, OMIM 214500.

Submission:

Labcorp Genetics (formerly Invitae), Labcorp
Classification: Uncertain significance for Chédiak-Higashi syndrome. Last evaluated: 2018-06-19. Review status: criteria provided, single submitter. Criteria: Invitae Variant Classification Sherloc (09022015). Collection method: clinical testing. Allele origin: germline.
Comment: Algorithms developed to predict the effect of missense changes on protein structure and function output the following: SIFT: "Tolerated"; PolyPhen-2: "Benign"; Align-GVGD: "Class C0". The valine amino acid residue is found in multiple mammalian species, suggesting that this missense change does not adversely affect protein function. These predictions have not been confirmed by published functional studies and their clinical significance is uncertain. This variant has not been reported in the literature in individuals with LYST-related disease. This variant is not present in population databases (ExAC no frequency). This sequence change replaces methionine with valine at codon 1124 of the LYST protein (p.Met1124Val). The methionine residue is moderately conserved and there is a small physicochemical difference between methionine and valine. Algorithms developed to predict the effect of sequence changes on RNA splicing suggest that this variant may create or strengthen a splice site, but this prediction has not been confirmed by published transcriptional studies. In summary, the available evidence is currently insufficient to determine the role of this variant in disease. Therefore, it has been classified as a Variant of Uncertain Significance.